The following is an entry in ClinVar:

ClinVar aggregate classification (germline): Uncertain significance. Review status: criteria provided, multiple submitters, no conflicts (2 of 4 stars). 2 submissions from 2 submitters: Uncertain significance (2). Last evaluated 2025-09-28.

Conditions:
Inborn genetic diseases. Identifiers: MedGen C0950123, MeSH D030342.

Allele frequency attached by ClinVar (database versions not stated): gnomAD 0.00015; TOPMed 0.00010; ExAC 0.00004.
gnomAD v4.1: 41 of 1,569,382 alleles (0.0026%); highest among the groups gnomAD compares: African/African-American, 0.046%; no homozygotes.

Submissions (2):

Ambry Genetics
Classification: Uncertain significance for Inborn genetic diseases. Last evaluated: 2025-09-28. Review status: criteria provided, single submitter. Criteria: Ambry Variant Classification Scheme 2023. Collection method: clinical testing. Allele origin: germline.

Labcorp Genetics (formerly Invitae), Labcorp
Classification: Uncertain significance. Last evaluated: 2022-10-25. Review status: criteria provided, single submitter. Criteria: Invitae Variant Classification Sherloc (09022015). Collection method: clinical testing. Allele origin: germline.
Comment: This sequence change replaces arginine, which is basic and polar, with glutamine, which is neutral and polar, at codon 36 of the COQ2 protein (p.Arg36Gln). The frequency data for this variant in the population databases is considered unreliable, as metrics indicate poor data quality at this position in the gnomAD database. This variant has not been reported in the literature in individuals affected with COQ2-related conditions. Algorithms developed to predict the effect of missense changes on protein structure and function are either unavailable or do not agree on the potential impact of this missense change (SIFT: "Tolerated"; PolyPhen-2: "Not Available"; Align-GVGD: "Class C0"). In summary, the available evidence is currently insufficient to determine the role of this variant in disease. Therefore, it has been classified as a Variant of Uncertain Significance.

NM_015697.9(COQ2):c.107G>A (p.Arg36Gln)

Genes: COQ2 (coenzyme Q2, polyprenyltransferase; minus strand), LOC112997540 (Sharpr-MPRA regulatory region 13773; plus strand). Cytogenetic location: 4q21.23.
Variant type: single nucleotide variant.
Coding change: c.107G>A on transcript NM_015697.9; coding-DNA position 107, G replaced by A.
Protein change: p.Arg36Gln; replaces arginine 36 with glutamine.
Molecular consequence: missense variant.
Genome position (GRCh38, 1-based): chr4:83,284,808, C>T on the plus strand (G>A on the coding strand, the complement: COQ2 is on the minus strand). VCF-style: chr4-83284808-C-T. GRCh37 (hg19) VCF-style: chr4-84205961-C-T.
Other names: short protein forms R36Q.
Identifiers: ClinVar variation 1904420 (VCV001904420.4), dbSNP rs746627973, ClinGen allele CA2988713.